The following is an entry in ClinVar:

ClinVar aggregate classification (germline): Conflicting classifications of pathogenicity. Review status: criteria provided, conflicting classifications (1 of 4 stars). 2 submissions from 2 submitters: Uncertain significance (1); Likely benign (1). Last evaluated 2024-12-20.

Conditions:
Inborn genetic diseases. Identifiers: MedGen C0950123, MeSH D030342.
Hermansky-Pudlak syndrome 8 (HPS8). Identifiers: Orphanet 79430, MedGen C3888026, MONDO:0013560, OMIM 614077.

gnomAD v4.1: 1 of 1,581,344 alleles (0.000063%); highest among the groups gnomAD compares: Non-Finnish European, 0.000085%; no homozygotes.

Submissions (2):

Ambry Genetics
Classification: Likely benign for Inborn genetic diseases. Last evaluated: 2024-12-20. Review status: criteria provided, single submitter. Criteria: Ambry Variant Classification Scheme 2023. Collection method: clinical testing. Allele origin: germline.

ISTH-SSC Genomics in Thrombosis and Hemostasis, KU Leuven, Center for Molecular and Vascular Biology
Classification: Uncertain significance for Hermansky-Pudlak syndrome 8. Review status: criteria provided, single submitter. Criteria: ACMG Guidelines, 2015. Collection method: clinical testing. Allele origin: germline. Affected: yes. Observed: 1 heterozygote.
Comment: Submitted to GoldVariant by Jose María Bastida and José Rivera; Grupo Español de Alteraciones Plaquetarias Congénitas (GEAPC)

NM_212550.5(BLOC1S3):c.86G>T (p.Arg29Leu)

Gene: BLOC1S3 (biogenesis of lysosomal organelles complex 1 subunit 3; plus strand). Cytogenetic location: 19q13.32.
Variant type: single nucleotide variant.
Coding change: c.86G>T on transcript NM_212550.5 (MANE Select); coding-DNA position 86, G replaced by T.
Protein change: p.Arg29Leu; replaces arginine 29 with leucine.
Molecular consequence: missense variant.
Genome position (GRCh38, 1-based): chr19:45,179,382, G>T. VCF-style: chr19-45179382-G-T. GRCh37 (hg19) VCF-style: chr19-45682640-G-T.
Other names: c.86G>T (NM_212550.3); short protein forms R29L.
Identifiers: ClinVar variation 1703821 (VCV001703821.3), dbSNP rs370018943, ClinGen allele CA406344114.
Genomic context (GRCh38, chr19:45,179,382, plus strand): 5'-GGCCCCTGCGGAGGCCGGAGACGGTGGTGCCGGGGGAGGCGACCGAGACGGATTCCGAGC[G>T]CTCTGCGTCCTCGTCGGAGGAGGAGGAGCTGTACCTGGGTCCTTCGGGCCCGACGCGCGG-3'
Protein context (NP_997715.1, residues 19-39): PGEATETDSE[Arg29Leu]SASSSEEEEL